The following is an entry in ClinVar:

NM_000282.4(PCCA):c.209A>G (p.Asn70Ser)

Gene: PCCA (propionyl-CoA carboxylase subunit alpha; plus strand). Cytogenetic location: 13q32.3.
Variant type: single nucleotide variant.
Coding change: c.209A>G on transcript NM_000282.4 (MANE Select); coding-DNA position 209, A replaced by G.
Protein change: p.Asn70Ser; replaces asparagine 70 with serine.
Molecular consequence: missense variant. On other transcripts: 5 prime UTR variant (3), non-coding transcript variant (5).
Genome position (GRCh38, 1-based): chr13:100,111,866, A>G. VCF-style: chr13-100111866-A-G. GRCh37 (hg19) VCF-style: chr13-100764120-A-G.
Other names: c.131A>G, p.Asn44Ser (NM_001127692.3, NM_001352607.2, NM_001352608.2); c.209A>G, p.Asn70Ser (NM_001178004.2, NM_001352605.2, NM_001352606.2 and 1 more transcripts); c.-658A>G (NM_001352610.2, NM_001352611.2, NM_001352612.2); short protein forms N70S, N44S.
Identifiers: ClinVar variation 1936251 (VCV001936251.5), dbSNP rs778689888, ClinGen allele CA7033137.

ClinVar aggregate classification (germline): Uncertain significance (1 of 4 stars; one submission).

Conditions:
Propionic acidemia (PROP). Also called: GLYCINEMIA, KETOTIC; HYPERGLYCINEMIA WITH KETOACIDOSIS AND LEUKOPENIA; KETOTIC HYPERGLYCINEMIA. Identifiers: Orphanet 35, MedGen C0268579, MONDO:0011628, OMIM 606054, HP:0003571.

Allele frequency attached by ClinVar (database versions not stated): ExAC 0.00001.
gnomAD v4.1: 2 of 1,610,102 alleles (0.00012%); highest among the groups gnomAD compares: Admixed American, 0.0017%; no homozygotes.

Submission:

Labcorp Genetics (formerly Invitae), Labcorp
Classification: Uncertain significance for Propionic acidemia. Last evaluated: 2024-10-14. Review status: criteria provided, single submitter. Criteria: Invitae Variant Classification Sherloc (09022015). Collection method: clinical testing. Allele origin: germline.
Comment: This sequence change replaces asparagine, which is neutral and polar, with serine, which is neutral and polar, at codon 70 of the PCCA protein (p.Asn70Ser). This variant is present in population databases (rs778689888, gnomAD 0.0009%). This variant has not been reported in the literature in individuals affected with PCCA-related conditions. ClinVar contains an entry for this variant (Variation ID: 1936251). Invitae Evidence Modeling of protein sequence and biophysical properties (such as structural, functional, and spatial information, amino acid conservation, physicochemical variation, residue mobility, and thermodynamic stability) indicates that this missense variant is expected to disrupt PCCA protein function with a positive predictive value of 80%. In summary, the available evidence is currently insufficient to determine the role of this variant in disease. Therefore, it has been classified as a Variant of Uncertain Significance.